The following is an entry in ClinVar:

NM_001282531.3(ADNP):c.2112_2113del (p.Arg705fs)

Gene: ADNP (activity dependent neuroprotector homeobox; minus strand). Cytogenetic location: 20q13.13.
Variant type: Microsatellite.
Coding change: c.2112_2113del on transcript NM_001282531.3 (MANE Select); coding-DNA positions 2112 to 2113, 2 bases deleted (TC; older notation c.2112_2113delTC).
Protein change: p.Arg705fs; shifts the reading frame from arginine 705.
Molecular consequence: frameshift variant.
Genome position (GRCh38, 1-based): chr20:50,892,601-50,892,602, GA deleted on the plus strand (TC on the coding strand, the reverse complement: ADNP is on the minus strand); deleting any 2 consecutive bases within chr20:50,892,601-50,892,605 gives the same sequence; the c. name uses the placement nearest the transcript's 3' end. VCF-style (leftmost placement, unchanged base first): chr20-50892600-CGA-C. GRCh37 (hg19) VCF-style: chr20-49509137-CGA-C.
Other names: c.2112_2113del, p.Arg705fs (NM_001282532.2, NM_001347511.2, NM_015339.5 and 1 more transcripts); short protein forms R705fs.
Identifiers: ClinVar variation 2763009 (VCV002763009.3), dbSNP rs2515580826, ClinGen allele CA2697547428.

ClinVar aggregate classification (germline): Pathogenic (1 of 4 stars; one submission).

Submission:

Labcorp Genetics (formerly Invitae), Labcorp
Classification: Pathogenic. Last evaluated: 2023-09-23. Review status: criteria provided, single submitter. Criteria: Invitae Variant Classification Sherloc (09022015). Collection method: clinical testing. Allele origin: germline.
Comment: For these reasons, this variant has been classified as Pathogenic. This variant disrupts a region of the ADNP protein in which other variant(s) (p.Met1088Serfs*5) have been determined to be pathogenic (PMID: 28135719). This suggests that this is a clinically significant region of the protein, and that variants that disrupt it are likely to be disease-causing. This variant has not been reported in the literature in individuals affected with ADNP-related conditions. This variant is not present in population databases (gnomAD no frequency). This sequence change creates a premature translational stop signal (p.Arg705Alafs*2) in the ADNP gene. While this is not anticipated to result in nonsense mediated decay, it is expected to disrupt the last 398 amino acid(s) of the ADNP protein.

Literature cited by the submitters: PubMed 28135719.